The following is an entry in ClinVar:

ClinVar aggregate classification (germline): Conflicting classifications of pathogenicity. Review status: criteria provided, conflicting classifications (1 of 4 stars). 4 submissions from 4 submitters: Uncertain significance (3); Likely benign (1). Last evaluated 2025-07-21.

Conditions:
Hemorrhage, intracerebral, susceptibility to (ICH). Also called: Stroke, hemorrhagic, susceptibility to. Identifiers: MedGen C3281105, MONDO:0100533, OMIM 614519.
Retinal arterial tortuosity. Also called: Retinal arteries, tortuosity of; RETINAL HEMORRHAGE WITH VASCULAR TORTUOSITY. Identifiers: Orphanet 75326, MedGen C0423401, MONDO:0008373, OMIM 180000, HP:0000631.
Autosomal dominant familial hematuria-retinal arteriolar tortuosity-contractures syndrome. Also called: Hereditary Angiopathy with Nephropathy, Aneurysms, and Muscle Cramps (HANAC) Syndrome; Angiopathy, hereditary, with nephropathy, aneurysms, and muscle cramps. Identifiers: Orphanet 73229, MedGen C2673195, MONDO:0012726, OMIM 611773.
Brain small vessel disease 1 with or without ocular anomalies (BSVD1). Also called: BRAIN SMALL VESSEL DISEASE WITH HEMORRHAGE; GOULD SYNDROME 1; Brain small vessel disease with or without ocular anomalies; PORENCEPHALY, TYPE 1, AUTOSOMAL DOMINANT. Identifiers: Orphanet 2940, Orphanet 36383, Orphanet 99810, MedGen C4755307, MONDO:0008289, OMIM 175780.
Microangiopathy and leukoencephalopathy, pontine, autosomal dominant. Also called: Pontine autosomal dominant microangiopathy with leukoencephalopathy; DEMENTIA, HEREDITARY MULTI-INFARCT, SWEDISH TYPE. Identifiers: Orphanet 477749, MedGen C5231411, MONDO:0032814, OMIM 618564.

Allele frequency attached by ClinVar (database versions not stated): ExAC 0.00001; gnomAD 0.00001; gnomAD exomes 0.00002; TOPMed 0.00002.

Submissions (4):

Labcorp Genetics (formerly Invitae), Labcorp
Classification: Uncertain significance. Last evaluated: 2025-07-21. Review status: criteria provided, single submitter. Criteria: Invitae Variant Classification Sherloc (09022015). Collection method: clinical testing. Allele origin: germline.
Comment: This sequence change replaces methionine, which is neutral and non-polar, with valine, which is neutral and non-polar, at codon 1092 of the COL4A1 protein (p.Met1092Val). This variant is present in population databases (rs757670001, gnomAD 0.006%). This variant has not been reported in the literature in individuals affected with COL4A1-related conditions. ClinVar contains an entry for this variant (Variation ID: 1518720). Invitae Evidence Modeling of protein sequence and biophysical properties (such as structural, functional, and spatial information, amino acid conservation, physicochemical variation, residue mobility, and thermodynamic stability) indicates that this missense variant is not expected to disrupt COL4A1 protein function with a negative predictive value of 95%. In summary, the available evidence is currently insufficient to determine the role of this variant in disease. Therefore, it has been classified as a Variant of Uncertain Significance.

Blueprint Genetics
Classification: Likely benign. Last evaluated: 2024-09-03. Review status: criteria provided, single submitter. Criteria: ACMG Guidelines, 2015. Collection method: clinical testing. Allele origin: germline.

Revvity Omics, Revvity
Classification: Uncertain significance. Last evaluated: 2023-02-27. Review status: criteria provided, single submitter. Criteria: ACMG Guidelines, 2015. Collection method: clinical testing. Allele origin: germline.

Fulgent Genetics
Classification: Uncertain significance for Brain small vessel disease 1 with or without ocular anomalies; Retinal arterial tortuosity; Autosomal dominant familial hematuria-retinal arteriolar tortuosity-contractures syndrome; Hemorrhage, intracerebral, susceptibility to; Microangiopathy and leukoencephalopathy, pontine, autosomal dominant. Last evaluated: 2022-04-20. Review status: criteria provided, single submitter. Criteria: ACMG Guidelines, 2015. Collection method: clinical testing. Allele origin: unknown.

NM_001845.6(COL4A1):c.3274A>G (p.Met1092Val)

Gene: COL4A1 (collagen type IV alpha 1 chain; minus strand). Cytogenetic location: 13q34.
Variant type: single nucleotide variant.
Coding change: c.3274A>G on transcript NM_001845.6 (MANE Select); coding-DNA position 3274, A replaced by G.
Protein change: p.Met1092Val; replaces methionine 1092 with valine.
Molecular consequence: missense variant.
Genome position (GRCh38, 1-based): chr13:110,174,674, T>C on the plus strand (A>G on the coding strand, the complement: COL4A1 is on the minus strand). VCF-style: chr13-110174674-T-C. GRCh37 (hg19) VCF-style: chr13-110827021-T-C.
Other names: short protein forms M1092V.
Identifiers: ClinVar variation 1518720 (VCV001518720.10), dbSNP rs757670001, ClinGen allele CA7047324.